The following is an entry in ClinVar:

NM_000492.4(CFTR):c.4232A>C (p.Gln1411Pro)

Gene: CFTR (CF transmembrane conductance regulator; plus strand). Cytogenetic location: 7q31.2.
Variant type: single nucleotide variant.
Coding change: c.4232A>C on transcript NM_000492.4 (MANE Select); coding-DNA position 4232, A replaced by C.
Protein change: p.Gln1411Pro; replaces glutamine 1411 with proline.
Molecular consequence: missense variant.
Genome position (GRCh38, 1-based): chr7:117,665,554, A>C. VCF-style: chr7-117665554-A-C. GRCh37 (hg19) VCF-style: chr7-117305608-A-C.
Other names: short protein forms Q1411P.
Identifiers: ClinVar variation 495947 (VCV000495947.13), dbSNP rs150177304, ClinGen allele CA4451664.
Genomic context (GRCh38, chr7:117,665,554, plus strand): 5'-CATTTGCTGATTGCACAGTAATTCTCTGTGAACACAGGATAGAAGCAATGCTGGAATGCC[A>C]ACAATTTTTGGTGAGTCTTTATAACTTTACTTAAGATCTCATTGCCCTTGTAATTCTTGA-3'
Protein context (NP_000483.3, residues 1401-1421): EHRIEAMLEC[Gln1411Pro]QFLVIEENKV

ClinVar aggregate classification (germline): Uncertain significance. Review status: criteria provided, multiple submitters, no conflicts (2 of 4 stars). 9 submissions from 9 submitters: Uncertain significance (8). 1 of the submissions does not count toward it. Last evaluated 2025-06-18.

Conditions:
Cystic fibrosis (CF). Also called: MUCOVISCIDOSIS. Identifiers: Orphanet 586, MedGen C0010674, MONDO:0009061, OMIM 219700. Disease mechanism: loss of function.

Allele frequency attached by ClinVar (database versions not stated): gnomAD exomes below 0.00001 and 0.00002; gnomAD 0.00005 and 0.00006; TOPMed 0.00008; ExAC 0.00002.
gnomAD v4.1: 16 of 1,608,898 alleles (0.00099%); highest among the groups gnomAD compares: African/African-American, 0.015%; no homozygotes.

Submissions (9):

ARUP Laboratories, Molecular Genetics and Genomics, ARUP Laboratories
Classification: Uncertain significance. Last evaluated: 2025-06-18. Review status: criteria provided, single submitter. Criteria: ARUP Molecular Germline Variant Investigation Process 2024. Collection method: clinical testing. Allele origin: germline.
Comment: The CFTR c.4232A>C; p.Gln1411Pro variant (rs150177304), to our knowledge, is not reported in the medical literature but is reported in ClinVar (Variation ID: 495947). This variant is found in the African population with an allele frequency of 0.02% (3/16,250 alleles) in the Genome Aggregation Database (v2.1.1). Computational analyses predict that this variant is deleterious (REVEL: 0.869). However, given the lack of clinical and functional data, the significance of this variant is uncertain at this time.

Ambry Genetics
Classification: Uncertain significance for Cystic fibrosis. Last evaluated: 2025-04-28. Review status: criteria provided, single submitter. Criteria: Ambry Variant Classification Scheme 2023. Collection method: clinical testing. Allele origin: germline.
Comment: The p.Q1411P variant (also known as c.4232A>C), located in coding exon 26 of the CFTR gene, results from an A to C substitution at nucleotide position 4232. The glutamine at codon 1411 is replaced by proline, an amino acid with similar properties. This amino acid position is highly conserved in available vertebrate species. In addition, this alteration is predicted to be deleterious by in silico analysis. Based on the available evidence, the clinical significance of this variant remains unclear.

Dasa
Classification: Uncertain significance. Last evaluated: 2024-07-30. Review status: criteria provided, single submitter. Criteria: DASA Assertion Criteria. Collection method: clinical testing. Allele origin: germline.
Comment: NM_000492.4(CFTR):c.4232A>C (p.Gln1411Pro) is a missense variant that results in the substitution of glutamine with proline. This variant is rare in population databases. Computational prediction algorithms are consistent with a deleterious effect. The currently available literature and clinical evidence are not sufficient to establish a definitive association between this variant and the reported condition. Therefore, this variant is classified as a variant of uncertain significance.

GeneDx
Classification: Uncertain significance. Last evaluated: 2022-06-28. Review status: criteria provided, single submitter. Criteria: GeneDx Variant Classification Process June 2021. Collection method: clinical testing. Allele origin: germline. Affected: yes.
Comment: Identified in computational analysis as a predicted variant of uncertain significance (Sanders et al., 2021); In silico analysis supports that this missense variant does not alter protein structure/function; This variant is associated with the following publications: (PMID: 32734384)

Mendelics
Classification: Uncertain significance. Last evaluated: 2022-05-04. Review status: criteria provided, single submitter. Criteria: Mendelics Assertion Criteria 2019. Collection method: clinical testing. Allele origin: germline.

Labcorp Genetics (formerly Invitae), Labcorp
Classification: Uncertain significance for Cystic fibrosis. Last evaluated: 2022-03-12. Review status: criteria provided, single submitter. Criteria: Invitae Variant Classification Sherloc (09022015). Collection method: clinical testing. Allele origin: germline.
Comment: This sequence change replaces glutamine, which is neutral and polar, with proline, which is neutral and non-polar, at codon 1411 of the CFTR protein (p.Gln1411Pro). This variant is present in population databases (rs150177304, gnomAD 0.01%). This variant has not been reported in the literature in individuals affected with CFTR-related conditions. ClinVar contains an entry for this variant (Variation ID: 495947). Algorithms developed to predict the effect of missense changes on protein structure and function (SIFT, PolyPhen-2, Align-GVGD) all suggest that this variant is likely to be tolerated. In summary, the available evidence is currently insufficient to determine the role of this variant in disease. Therefore, it has been classified as a Variant of Uncertain Significance.

Genome-Nilou Lab
Classification: Uncertain significance for Cystic fibrosis. Last evaluated: 2021-09-05. Review status: criteria provided, single submitter. Criteria: ACMG Guidelines, 2015. Collection method: clinical testing. Allele origin: germline. Affected: no.

Women's Health and Genetics/Laboratory Corporation of America, LabCorp
Classification: Uncertain significance. Last evaluated: 2016-12-21. Review status: criteria provided, single submitter. Criteria: LabCorp Variant Classification Summary - May 2015. Collection method: clinical testing. Allele origin: germline.
Comment: Variant summary: The c.4232A>C (p.Gln1411Pro) in CFTR gene is a missense change that involves a mildly conserved nucleotide and 5/5 in silico tools predict deleterious outcome. The variant of interest is located within AAA+ ATPase domain functional domain and several neighboring variants have been associated with CF, although the functional impact of this missense change is yet to be studied. The variant is present in the large control population dataset of ExAC at a frequency 0.0000166 (2/120320 chrs tested), exclusively in individuals of Latino descent (0.00017; 2/11398) which does not exceed the maximal expected frequency of a pathogenic allele (0.013) in this gene. This variant was identified in a population screening of patients with primary sclerosing cholangitis and inflammatory bowel syndromes (Sickkids db). The variant has not, to our knowledge, been reported in affected individual via published reports or classified by a reputable database/clinical laboratory. At this time there is not sufficient undeniable evidence to classify this variant with confidence. Taken together, the variant was classified as VUS until more data becomes available.

Natera, Inc.
Classification: Uncertain significance for Cystic Fibrosis. Last evaluated: 2020-09-16. Review status: no assertion criteria provided. Collection method: clinical testing. Allele origin: germline. Not counted in ClinVar's aggregate classification.